The following is an entry in ClinVar:

NM_181523.3(PIK3R1):c.1650_1674del (p.Lys551fs)

Gene: PIK3R1 (phosphoinositide-3-kinase regulatory subunit 1; plus strand). Cytogenetic location: 5q13.1.
Variant type: Deletion.
Coding change: c.1650_1674del on transcript NM_181523.3 (MANE Select); coding-DNA positions 1650 to 1674, 25 bases deleted (GAAGCAGGCAGCTGAGTATCGAGAA).
Protein change: p.Lys551fs; shifts the reading frame from lysine 551.
Molecular consequence: frameshift variant.
Genome position (GRCh38, 1-based): chr5:68,295,229-68,295,253, GAAGCAGGCAGCTGAGTATCGAGAA deleted; deleting any 25 consecutive bases within chr5:68,295,226-68,295,253 gives the same sequence; the c. name uses the placement nearest the transcript's 3' end. VCF-style (leftmost placement, unchanged base first): chr5-68295225-TGAAGAAGCAGGCAGCTGAGTATCGA-T. GRCh37 (hg19) VCF-style: chr5-67591053-TGAAGAAGCAGGCAGCTGAGTATCGA-T.
Other names: c.561_585del, p.Lys188fs (NM_001242466.2); c.840_864del, p.Lys281fs (NM_181504.4); c.750_774del, p.Lys251fs (NM_181524.2); short protein forms K188fs, K251fs, K281fs, K551fs.
Identifiers: ClinVar variation 2951379 (VCV002951379.3), dbSNP rs2531010723, ClinGen allele CA2740091742.

ClinVar aggregate classification (germline): Pathogenic (1 of 4 stars; one submission).

Conditions:
SHORT syndrome. Also called: LIPODYSTROPHY, PARTIAL, WITH RIEGER ANOMALY AND SHORT STATURE; PIK3R1-Related SHORT Syndrome; SHORT STATURE, HYPEREXTENSIBILITY, HERNIA, OCULAR DEPRESSION, RIEGER ANOMALY, AND TEETHING DELAY. Identifiers: Orphanet 3163, MedGen C0878684, MONDO:0010026, OMIM 269880.
Agammaglobulinemia 7, autosomal recessive (AGM7). Also called: AGAMMAGLOBULINEMIA, AUTOSOMAL RECESSIVE, DUE TO PIK3R1 DEFECT. Identifiers: MedGen C3554689, MONDO:0014083, OMIM 615214.
Immunodeficiency 36 with lymphoproliferation. Also called: Immunodeficiency 36; ACTIVATED PI3K-DELTA SYNDROME 2; Activated PI3K Delta Syndrome Type 2 (APDS2). Identifiers: Orphanet 397596, Orphanet 693681, MedGen C4014934, MONDO:0014453, OMIM 616005.

Submission:

Labcorp Genetics (formerly Invitae), Labcorp
Classification: Pathogenic for SHORT syndrome; Immunodeficiency 36 with lymphoproliferation; Agammaglobulinemia 7, autosomal recessive. Last evaluated: 2024-01-31. Review status: criteria provided, single submitter. Criteria: Invitae Variant Classification Sherloc (09022015). Collection method: clinical testing. Allele origin: germline.
Comment: This sequence change creates a premature translational stop signal (p.Lys551Leufs*5) in the PIK3R1 gene. It is expected to result in an absent or disrupted protein product. Loss-of-function variants in PIK3R1 are known to be pathogenic (PMID: 22351933, 25133428). This variant is not present in population databases (gnomAD no frequency). This variant has not been reported in the literature in individuals affected with PIK3R1-related conditions. For these reasons, this variant has been classified as Pathogenic.

Literature cited by the submitters: PubMed 22351933; PubMed 25133428.